The following is an entry in ClinVar:

ClinVar aggregate classification (germline): Uncertain significance. Review status: criteria provided, multiple submitters, no conflicts (2 of 4 stars). 2 submissions from 2 submitters: Uncertain significance (2). Last evaluated 2024-04-18.

Conditions:
Hereditary cancer-predisposing syndrome. Also called: Hereditary neoplastic syndrome; Tumor predisposition; Hereditary Cancer Syndrome; Neoplastic Syndromes, Hereditary. Identifiers: Orphanet 140162, MedGen C0027672, MeSH D009386, MONDO:0015356.
Nijmegen breakage syndrome-like disorder (NBSLD). Also called: MICROCEPHALY AND SPONTANEOUS CHROMOSOME INSTABILITY WITHOUT IMMUNODEFICIENCY; NBS-LIKE DISORDER; RAD50 DEFICIENCY. Identifiers: Orphanet 240760, MedGen C2751318, MONDO:0013118, OMIM 613078.

gnomAD v4.1: 1 of 1,596,388 alleles (0.000063%); no homozygotes.

Submissions (2):

Fulgent Genetics
Classification: Uncertain significance for Nijmegen breakage syndrome-like disorder. Last evaluated: 2024-04-18. Review status: criteria provided, single submitter. Criteria: ACMG Guidelines, 2015. Collection method: clinical testing. Allele origin: germline.

Labcorp Genetics (formerly Invitae), Labcorp
Classification: Uncertain significance for Hereditary cancer-predisposing syndrome. Last evaluated: 2023-09-10. Review status: criteria provided, single submitter. Criteria: Invitae Variant Classification Sherloc (09022015). Collection method: clinical testing. Allele origin: germline.
Comment: An algorithm developed to predict the effect of missense changes on protein structure and function (PolyPhen-2) suggests that this variant is likely to be tolerated. Algorithms developed to predict the effect of sequence changes on RNA splicing suggest that this variant may create or strengthen a splice site. In summary, the available evidence is currently insufficient to determine the role of this variant in disease. Therefore, it has been classified as a Variant of Uncertain Significance. This sequence change replaces methionine, which is neutral and non-polar, with isoleucine, which is neutral and non-polar, at codon 800 of the RAD50 protein (p.Met800Ile). This variant is not present in population databases (gnomAD no frequency). This variant has not been reported in the literature in individuals affected with RAD50-related conditions. ClinVar contains an entry for this variant (Variation ID: 1951268).

NM_005732.4(RAD50):c.2400G>A (p.Met800Ile)

Gene: RAD50 (RAD50 double strand break repair protein; plus strand). Cytogenetic location: 5q31.1.
Variant type: single nucleotide variant.
Coding change: c.2400G>A on transcript NM_005732.4 (MANE Select); coding-DNA position 2400, G replaced by A.
Protein change: p.Met800Ile; replaces methionine 800 with isoleucine.
Molecular consequence: missense variant.
Genome position (GRCh38, 1-based): chr5:132,603,922, G>A. VCF-style: chr5-132603922-G-A. GRCh37 (hg19) VCF-style: chr5-131939614-G-A.
Other names: short protein forms M800I.
Identifiers: ClinVar variation 1951268 (VCV001951268.6), dbSNP rs2479665961, ClinGen allele CA360955286.
Genomic context (GRCh38, chr5:132,603,922, plus strand): 5'-AAGATTTTGAATAATGCAGTAAGTTTATTAAAGGAAATCATTTTGTTATATTCTTAAGAT[G>A]GAACTTAAAGATGTTGAAAGAAAAATTGCACAACAAGCAGCTAAGCTACAAGGAATAGAC-3'
Protein context (NP_005723.2, residues 790-810): TDVTIMERFQ[Met800Ile]ELKDVERKIA